The following is an entry in ClinVar:

ClinVar aggregate classification (germline): Uncertain significance (1 of 4 stars; one submission).

Submission:

GeneDx
Classification: Uncertain significance. Last evaluated: 2024-03-07. Review status: criteria provided, single submitter. Criteria: GeneDx Variant Classification Process June 2021. Collection method: clinical testing. Allele origin: germline. Affected: yes.
Comment: Not observed at significant frequency in large population cohorts (gnomAD); In silico analysis supports that this missense variant has a deleterious effect on protein structure/function; Missense variants in this gene are a common cause of disease and they are underrepresented in the general population; Has not been previously published as pathogenic or benign to our knowledge; This variant is associated with the following publications: (PMID: 29493581)

NM_002755.4(MAP2K1):c.578C>T (p.Pro193Leu)

Gene: MAP2K1 (mitogen-activated protein kinase kinase 1; plus strand). Cytogenetic location: 15q22.31.
Variant type: single nucleotide variant.
Coding change: c.578C>T on transcript NM_002755.4 (MANE Select); coding-DNA position 578, C replaced by T.
Protein change: p.Pro193Leu; replaces proline 193 with leucine.
Molecular consequence: missense variant.
Genome position (GRCh38, 1-based): chr15:66,481,764, C>T. VCF-style: chr15-66481764-C-T. GRCh37 (hg19) VCF-style: chr15-66774102-C-T.
Other names: c.434C>T, p.Pro145Leu (NM_001411065.1); short protein forms P145L, P193L.
Identifiers: ClinVar variation 3373528 (VCV003373528.1).
Genomic context (GRCh38, chr15:66,481,764, plus strand): 5'-CCCAATCTACCTGTGTCAGTTCCCTCCTTTTCTATTTTCTCTTCCCTGCAGATGTCAAGC[C>T]CTCCAACATCCTAGTCAACTCCCGTGGGGAGATCAAGCTCTGTGACTTTGGGGTCAGCGG-3'
Protein context (NP_002746.1, residues 183-203): KHKIMHRDVK[Pro193Leu]SNILVNSRGE